The following is an entry in ClinVar:

ClinVar aggregate classification (germline): Uncertain significance (1 of 4 stars; one submission).

Allele frequency attached by ClinVar (database versions not stated): gnomAD 0.00001.
gnomAD v4.1: 1 of 1,614,110 alleles (0.000062%); highest among the groups gnomAD compares: Admixed American, 0.0017%; no homozygotes.

Submission:

Labcorp Genetics (formerly Invitae), Labcorp
Classification: Uncertain significance. Last evaluated: 2022-06-27. Review status: criteria provided, single submitter. Criteria: Invitae Variant Classification Sherloc (09022015). Collection method: clinical testing. Allele origin: germline.
Comment: This sequence change replaces valine, which is neutral and non-polar, with leucine, which is neutral and non-polar, at codon 106 of the MCM5 protein (p.Val106Leu). This variant is present in population databases (no rsID available, gnomAD 0.1%). This variant has not been reported in the literature in individuals affected with MCM5-related conditions. Algorithms developed to predict the effect of missense changes on protein structure and function are either unavailable or do not agree on the potential impact of this missense change (SIFT: "Deleterious"; PolyPhen-2: "Benign"; Align-GVGD: "Class C0"). In summary, the available evidence is currently insufficient to determine the role of this variant in disease. Therefore, it has been classified as a Variant of Uncertain Significance.

NM_006739.4(MCM5):c.316G>C (p.Val106Leu)

Gene: MCM5 (minichromosome maintenance complex component 5; plus strand). Cytogenetic location: 22q12.3.
Variant type: single nucleotide variant.
Coding change: c.316G>C on transcript NM_006739.4 (MANE Select); coding-DNA position 316, G replaced by C.
Protein change: p.Val106Leu; replaces valine 106 with leucine.
Molecular consequence: missense variant.
Genome position (GRCh38, 1-based): chr22:35,403,435, G>C. VCF-style: chr22-35403435-G-C. GRCh37 (hg19) VCF-style: chr22-35799428-G-C.
Other names: short protein forms V106L.
Identifiers: ClinVar variation 1370629 (VCV001370629.6), dbSNP rs1436770393, ClinGen allele CA411360053.
Genomic context (GRCh38, chr22:35,403,435, plus strand): 5'-CCCCAGTTACTAATAGCCTGTGCCCTTCCCTTTCTCCAGCTGGAGGAAGCTGCCAAGGAG[G>C]TAGCTGATGAGGTGACCCGGCCCCGGCCTTCTGGGGAGGAGGTGCTCCAGGACATCCAGG-3'
Protein context (NP_006730.2, residues 96-116): LQLLEEAAKE[Val106Leu]ADEVTRPRPS